The following is an entry in ClinVar:

ClinVar aggregate classification (germline): Uncertain significance (1 of 4 stars; one submission).

Submission:

Labcorp Genetics (formerly Invitae), Labcorp
Classification: Uncertain significance. Last evaluated: 2021-05-30. Review status: criteria provided, single submitter. Criteria: Invitae Variant Classification Sherloc (09022015). Collection method: clinical testing. Allele origin: germline.
Comment: In summary, the available evidence is currently insufficient to determine the role of this variant in disease. Therefore, it has been classified as a Variant of Uncertain Significance. Algorithms developed to predict the effect of missense changes on protein structure and function are either unavailable or do not agree on the potential impact of this missense change (SIFT: "Tolerated"; PolyPhen-2: "Possibly Damaging"; Align-GVGD: "Class C0"). This variant has not been reported in the literature in individuals with ZSWIM6-related conditions. This variant is not present in population databases (ExAC no frequency). This sequence change replaces alanine with glycine at codon 770 of the ZSWIM6 protein (p.Ala770Gly). The alanine residue is highly conserved and there is a small physicochemical difference between alanine and glycine.

NM_020928.2(ZSWIM6):c.2309C>G (p.Ala770Gly)

Gene: ZSWIM6 (zinc finger SWIM-type containing 6; plus strand). Cytogenetic location: 5q12.1.
Variant type: single nucleotide variant.
Coding change: c.2309C>G on transcript NM_020928.2 (MANE Select); coding-DNA position 2309, C replaced by G.
Protein change: p.Ala770Gly; replaces alanine 770 with glycine.
Molecular consequence: missense variant.
Genome position (GRCh38, 1-based): chr5:61,535,547, C>G. VCF-style: chr5-61535547-C-G. GRCh37 (hg19) VCF-style: chr5-60831374-C-G.
Other names: short protein forms A770G.
Identifiers: ClinVar variation 1357295 (VCV001357295.6), dbSNP rs2112283342, ClinGen allele CA359945064.